The following is an entry in ClinVar:

NM_000492.4(CFTR):c.3946T>C (p.Trp1316Arg)

Gene: CFTR (CF transmembrane conductance regulator; plus strand). Cytogenetic location: 7q31.2.
Variant type: single nucleotide variant.
Coding change: c.3946T>C on transcript NM_000492.4 (MANE Select); coding-DNA position 3946, T replaced by C.
Protein change: p.Trp1316Arg; replaces tryptophan 1316 with arginine.
Molecular consequence: missense variant.
Genome position (GRCh38, 1-based): chr7:117,652,914, T>C. VCF-style: chr7-117652914-T-C. GRCh37 (hg19) VCF-style: chr7-117292968-T-C.
Other names: short protein forms W1316R.
Identifiers: ClinVar variation 2506207 (VCV002506207.2), dbSNP rs1408505482, ClinGen allele CA368978593.

ClinVar aggregate classification (germline): Uncertain significance. Review status: criteria provided, multiple submitters, no conflicts (2 of 4 stars). 2 submissions from 2 submitters: Uncertain significance (2). Last evaluated 2025-09-16.

Conditions:
Cystic fibrosis (CF). Also called: MUCOVISCIDOSIS. Identifiers: Orphanet 586, MedGen C0010674, MONDO:0009061, OMIM 219700. Disease mechanism: loss of function.

Allele frequency attached by ClinVar (database versions not stated): gnomAD 0.00001; TOPMed 0.00002.

Submissions (2):

Ambry Genetics
Classification: Uncertain significance for Cystic fibrosis. Last evaluated: 2025-09-16. Review status: criteria provided, single submitter. Criteria: Ambry Variant Classification Scheme 2023. Collection method: clinical testing. Allele origin: germline.
Comment: The p.W1316R variant (also known as c.3946T>C), located in coding exon 24 of the CFTR gene, results from a T to C substitution at nucleotide position 3946. The tryptophan at codon 1316 is replaced by arginine, an amino acid with dissimilar properties. This amino acid position is highly conserved in available vertebrate species. In addition, this alteration is predicted to be deleterious by in silico analysis. Based on the available evidence, the clinical significance of this variant remains unclear.

Women's Health and Genetics/Laboratory Corporation of America, LabCorp
Classification: Uncertain significance. Last evaluated: 2023-05-30. Review status: criteria provided, single submitter. Criteria: LabCorp Variant Classification Summary - May 2015. Collection method: clinical testing. Allele origin: germline.
Comment: Variant summary: CFTR c.3946T>C (p.Trp1316Arg) results in a non-conservative amino acid change located in the ABC transporter-like, ATP-binding domain (IPR003439) of the encoded protein sequence. Five of five in-silico tools predict a damaging effect of the variant on protein function. The variant was absent in 250492 control chromosomes (gnomAD). The available data on variant occurrences in the general population are insufficient to allow any conclusion about variant significance. c.3946T>C has been reported in the literature in an individual affected with Congenital absence of the vas deferens (Fng_2022). These report(s) do not provide unequivocal conclusions about association of the variant with Cystic Fibrosis. To our knowledge, no experimental evidence demonstrating an impact on protein function has been reported. The following publication has been ascertained in the context of this evaluation (PMID: 36437957). No clinical diagnostic laboratories have submitted clinical-significance assessments for this variant to ClinVar after 2014. Based on the evidence outlined above, the variant was classified as uncertain significance.

Literature cited by the submitters: PubMed 36437957 (cited by Women's Health and Genetics/Laboratory Corporation of America, LabCorp).